The following is an entry in ClinVar:

NM_001961.4(EEF2):c.463C>A (p.Leu155Met)

Gene: EEF2 (eukaryotic translation elongation factor 2; minus strand). Cytogenetic location: 19p13.3.
Variant type: single nucleotide variant.
Coding change: c.463C>A on transcript NM_001961.4 (MANE Select); coding-DNA position 463, C replaced by A.
Protein change: p.Leu155Met; replaces leucine 155 with methionine.
Molecular consequence: missense variant.
Genome position (GRCh38, 1-based): chr19:3,982,956, G>T on the plus strand (C>A on the coding strand, the complement: EEF2 is on the minus strand). VCF-style: chr19-3982956-G-T. GRCh37 (hg19) VCF-style: chr19-3982954-G-T.
Other names: short protein forms L155M.
Identifiers: ClinVar variation 1805894 (VCV001805894.2), dbSNP rs199983367, ClinGen allele CA9089395.

ClinVar aggregate classification (germline): Uncertain significance (1 of 4 stars; one submission).

Conditions:
Spinocerebellar ataxia type 26 (SCA26). Identifiers: Orphanet 101112, MedGen C1836395, MONDO:0012246, OMIM 609306.

Allele frequency attached by ClinVar (database versions not stated): gnomAD exomes below 0.00001; ExAC 0.00001; gnomAD 0.00001; 1000 Genomes Project 30x 0.00016; 1000 Genomes Project 0.00020.
gnomAD v4.1: 4 of 1,613,018 alleles (0.00025%); highest among the groups gnomAD compares: Non-Finnish European, 0.00034%; no homozygotes.

Submission:

Victorian Clinical Genetics Services, Murdoch Childrens Research Institute
Classification: Uncertain significance for Spinocerebellar ataxia type 26. Last evaluated: 2023-07-16. Review status: criteria provided, single submitter. Criteria: ACMG Guidelines, 2015. Collection method: clinical testing. Allele origin: germline. Inheritance: Autosomal dominant inheritance. Affected: yes.
Comment: Based on the classification scheme VCGS_Germline_v1.3.4, this variant is classified as VUS-3B. Following criteria are met: 0105 - The mechanism of disease for this gene is not clearly established. While cell growth, sensitivity to translational inhibitors and translational fidelity were assessed, the variants assessed did not exhibit similar effects (PMID: 33355653). (I) 0107 - This gene is associated with autosomal dominant disease. (I) 0200 - Variant is predicted to result in a missense amino acid change from leucine to methionine. (I) 0251 - This variant is heterozygous. (I) 0302 - Variant is present in gnomAD <0.001 for a dominant condition (v2: 1 heterozygote, 0 homozygotes). (SP) 0502 - Missense variant with conflicting in silico predictions and high conservation. (I) 0600 - Variant is located in the annotated elongation factor Tu GTP binding domain (DECIPHER). (I) 0705 - No comparable missense variants have previous evidence for pathogenicity. (I) 0807 - This variant has no previous evidence of pathogenicity. (I) 0905 - No published segregation evidence has been identified for this variant. (I) 1007 - No published functional evidence has been identified for this variant. (I) Legend: (SP) - Supporting pathogenic, (I) - Information, (SB) - Supporting benign

Literature cited by the submitters: PubMed 33355653.